The following is an entry in ClinVar:

ClinVar aggregate classification (germline): Benign. Review status: criteria provided, multiple submitters, no conflicts (2 of 4 stars). 6 submissions from 5 submitters: Benign (6). Last evaluated 2025-12-01.

Conditions:
Atrichia with papular lesions (APL). Also called: PAPULAR ATRICHIA. Identifiers: Orphanet 86819, MedGen C1859592, MONDO:0008847, OMIM 209500.
Alopecia universalis congenita (ALUNC). Also called: ATRICHIA, GENERALIZED. Identifiers: Orphanet 701, MedGen C1859877, MONDO:0008757, OMIM 203655.
HR-related disorder. Also called: HR-related condition; HR-related disorders. Identifiers: MedGen CN239293.

Allele frequency attached by ClinVar (database versions not stated): gnomAD exomes 0.00153 and 0.00399; ESP Exome Variant Server 0.01086; ExAC 0.01193; 1000 Genomes Project 0.01218; 1000 Genomes Project 30x 0.01265; gnomAD 0.01404 and 0.01509; TOPMed 0.01606.
gnomAD v4.1: 4,356 of 1,515,494 alleles (0.29%); highest among the groups gnomAD compares: African/African-American, 4.8%; 79 homozygotes.

Submissions (6):

Labcorp Genetics (formerly Invitae), Labcorp
Classification: Benign. Last evaluated: 2025-12-01. Review status: criteria provided, single submitter. Criteria: Invitae Variant Classification Sherloc (09022015). Collection method: clinical testing. Allele origin: germline.

PreventionGenetics, part of Exact Sciences
Classification: Benign for HR-related condition. Last evaluated: 2025-02-24. Review status: criteria provided, single submitter. Criteria: ACMG Guidelines, 2015. Collection method: clinical testing. Allele origin: germline.
Comment: This variant is classified as benign based on ACMG/AMP sequence variant interpretation guidelines (Richards et al. 2015 PMID: 25741868, with internal and published modifications).

GeneDx
Classification: Benign. Last evaluated: 2021-06-09. Review status: criteria provided, single submitter. Criteria: GeneDx Variant Classification Process June 2021. Collection method: clinical testing. Allele origin: germline. Affected: yes.

Illumina Laboratory Services, Illumina
Classification: Benign for Alopecia universalis congenita. Last evaluated: 2018-01-13. Review status: criteria provided, single submitter. Criteria: ICSL Variant Classification Criteria 13 December 2019. Collection method: clinical testing. Allele origin: germline.
Comment: This variant was observed in the ICSL laboratory as part of a predisposition screen in an ostensibly healthy population. It had not been previously curated by ICSL or reported in the Human Gene Mutation Database (HGMD: prior to June 1st, 2018), and was therefore a candidate for classification through an automated scoring system. Utilizing variant allele frequency, disease prevalence and penetrance estimates, and inheritance mode, an automated score was calculated to assess if this variant is too frequent to cause the disease. Based on the score and internal cut-off values, a variant classified as benign is not then subjected to further curation. The score for this variant resulted in a classification of benign for this disease.

Illumina Laboratory Services, Illumina
Classification: Benign for Atrichia with papular lesions. Last evaluated: 2018-01-13. Review status: criteria provided, single submitter. Criteria: ICSL Variant Classification Criteria 13 December 2019. Collection method: clinical testing. Allele origin: germline.
Comment: the same text as in the submission from Illumina Laboratory Services, Illumina above.

Breakthrough Genomics
Classification: Benign. Review status: criteria provided, single submitter. Criteria: ACMG Guidelines, 2015. Collection method: not provided. Allele origin: germline. Inheritance: Autosomal recessive inheritance. Affected: yes.

NM_005144.5(HR):c.2570G>A (p.Arg857His)

Gene: HR (HR lysine demethylase and nuclear receptor corepressor; minus strand). Cytogenetic location: 8p21.3.
Variant type: single nucleotide variant.
Coding change: c.2570G>A on transcript NM_005144.5 (MANE Select); coding-DNA position 2570, G replaced by A.
Protein change: p.Arg857His; replaces arginine 857 with histidine.
Molecular consequence: missense variant.
Genome position (GRCh38, 1-based): chr8:22,120,756, C>T on the plus strand (G>A on the coding strand, the complement: HR is on the minus strand). VCF-style: chr8-22120756-C-T. GRCh37 (hg19) VCF-style: chr8-21978269-C-T.
Other names: c.2570G>A, p.Arg857His (NM_018411.4); short protein forms R857H.
Identifiers: ClinVar variation 362489 (VCV000362489.13), dbSNP rs114871775, ClinGen allele CA4662079.